The following is an entry in ClinVar:

NR_003051.4(RMRP):n.18C>T

Gene: RMRP (RNA component of mitochondrial RNA processing endoribonuclease; minus strand). Cytogenetic location: 9p13.3.
Variant type: single nucleotide variant.
Genome position: GRCh38 VCF-style: chr9-35658002-G-A. GRCh37 (hg19) VCF-style: chr9-35657999-G-A.
Identifiers: ClinVar variation 1008110 (VCV001008110.3), dbSNP rs769169620, ClinGen allele CA5045865.

ClinVar aggregate classification (germline): Uncertain significance. Review status: criteria provided, single submitter (1 of 4 stars). 2 submissions from 2 submitters: Uncertain significance (1). 1 of the submissions does not count toward it. Last evaluated 2022-06-27.

Conditions:
Metaphyseal chondrodysplasia, McKusick type (CHH). Also called: Cartilage-Hair Hypoplasia (CHH); Cartilage-hair hypoplasia. Identifiers: Orphanet 175, MedGen C0220748, MONDO:0009595, OMIM 250250.
Anauxetic dysplasia. Identifiers: Orphanet 93347, MedGen C1846796, MONDO:0011773.

Allele frequency attached by ClinVar (database versions not stated): gnomAD exomes 0.00001 and 0.00002; TOPMed 0.00001; gnomAD 0.00002; ExAC 0.00010.
gnomAD v4.1: 15 of 696,122 alleles (0.0022%); highest among the groups gnomAD compares: Middle Eastern, 0.036%; no homozygotes.

Submissions (2):

Labcorp Genetics (formerly Invitae), Labcorp
Classification: Uncertain significance for Anauxetic dysplasia. Last evaluated: 2022-06-27. Review status: criteria provided, single submitter. Criteria: Invitae Variant Classification Sherloc (09022015). Collection method: clinical testing. Allele origin: germline.
Comment: This variant occurs in the RMRP gene, which encodes an RNA molecule that does not result in a protein product. This variant is present in population databases (rs769169620, gnomAD 0.004%). This variant has not been reported in the literature in individuals affected with RMRP-related conditions. ClinVar contains an entry for this variant (Variation ID: 1008110). Experimental studies and prediction algorithms are not available or were not evaluated, and the functional significance of this variant is currently unknown. In summary, the available evidence is currently insufficient to determine the role of this variant in disease. Therefore, it has been classified as a Variant of Uncertain Significance.

Natera, Inc.
Classification: Uncertain significance for Cartilage-hair hypoplasia. Last evaluated: 2021-06-11. Review status: no assertion criteria provided. Collection method: clinical testing. Allele origin: germline. Not counted in ClinVar's aggregate classification.